The following is an entry in ClinVar:

NM_001042492.3(NF1):c.7544G>T (p.Ser2515Ile)

Gene: NF1 (neurofibromin 1; plus strand). Cytogenetic location: 17q11.2.
Variant type: single nucleotide variant.
Coding change: c.7544G>T on transcript NM_001042492.3 (MANE Select); coding-DNA position 7544, G replaced by T.
Protein change: p.Ser2515Ile; replaces serine 2515 with isoleucine.
Molecular consequence: missense variant.
Genome position (GRCh38, 1-based): chr17:31,352,343, G>T. VCF-style: chr17-31352343-G-T. GRCh37 (hg19) VCF-style: chr17-29679361-G-T.
Other names: c.7481G>T, p.Ser2494Ile (NM_000267.4); short protein forms S2494I, S2515I.
Identifiers: ClinVar variation 648877 (VCV000648877.8), dbSNP rs1597862174, ClinGen allele CA399017642.
Genomic context (GRCh38, chr17:31,352,343, plus strand): 5'-CCTCTCCCAAAGGTTCTGAAGGATACCTTGCAGCCACCTATCCAACTGTCGGCCAGACCA[G>T]TCCCCGAGCCAGGAAATCCATGAGCCTGGACATGGGGCAACCTTCTCAGGCCAACACTAA-3'
Protein context (NP_001035957.1, residues 2505-2525): AATYPTVGQT[Ser2515Ile]PRARKSMSLD

ClinVar aggregate classification (germline): Uncertain significance. Review status: criteria provided, multiple submitters, no conflicts (2 of 4 stars). 2 submissions from 2 submitters: Uncertain significance (2). Last evaluated 2024-04-22.

Conditions:
Cardiovascular phenotype. Identifiers: MedGen CN230736.
Hereditary cancer-predisposing syndrome. Also called: Hereditary Cancer Syndrome; Tumor predisposition; Neoplastic Syndromes, Hereditary; Hereditary neoplastic syndrome. Identifiers: Orphanet 140162, MedGen C0027672, MeSH D009386, MONDO:0015356.
Neurofibromatosis, type 1 (NF1). Also called: VON RECKLINGHAUSEN DISEASE; Neurofibromatosis, type I; NEUROFIBROMATOSIS, TYPE I, SOMATIC; Peripheral type neurofibromatosis. Identifiers: Orphanet 636, MedGen C0027831, MONDO:0018975, OMIM 162200. Disease mechanism: loss of function.

Submissions (2):

Labcorp Genetics (formerly Invitae), Labcorp
Classification: Uncertain significance for Neurofibromatosis, type 1. Last evaluated: 2024-04-22. Review status: criteria provided, single submitter. Criteria: Invitae Variant Classification Sherloc (09022015). Collection method: clinical testing. Allele origin: germline.
Comment: This sequence change replaces serine, which is neutral and polar, with isoleucine, which is neutral and non-polar, at codon 2494 of the NF1 protein (p.Ser2494Ile). This variant is not present in population databases (gnomAD no frequency). This variant has not been reported in the literature in individuals affected with NF1-related conditions. ClinVar contains an entry for this variant (Variation ID: 648877). Advanced modeling of protein sequence and biophysical properties (such as structural, functional, and spatial information, amino acid conservation, physicochemical variation, residue mobility, and thermodynamic stability) has been performed at Invitae for this missense variant, however the output from this modeling did not meet the statistical confidence thresholds required to predict the impact of this variant on NF1 protein function. In summary, the available evidence is currently insufficient to determine the role of this variant in disease. Therefore, it has been classified as a Variant of Uncertain Significance.

Ambry Genetics
Classification: Uncertain significance for Cardiovascular phenotype; Hereditary cancer-predisposing syndrome. Last evaluated: 2023-03-14. Review status: criteria provided, single submitter. Criteria: Ambry Variant Classification Scheme 2023. Collection method: clinical testing. Allele origin: germline.
Comment: The p.S2494I variant (also known as c.7481G>T), located in coding exon 50 of the NF1 gene, results from a G to T substitution at nucleotide position 7481. The serine at codon 2494 is replaced by isoleucine, an amino acid with dissimilar properties. This amino acid position is highly conserved in available vertebrate species. In addition, the in silico prediction for this alteration is inconclusive. Since supporting evidence is limited at this time, the clinical significance of this alteration remains unclear.